The following is an entry in ClinVar:

NM_001127222.2(CACNA1A):c.2551C>T (p.Gln851Ter)

Gene: CACNA1A (calcium voltage-gated channel subunit alpha1 A; minus strand). Cytogenetic location: 19p13.13.
Variant type: single nucleotide variant.
Coding change: c.2551C>T on transcript NM_001127222.2 (MANE Select); coding-DNA position 2551, C replaced by T.
Protein change: p.Gln851Ter; replaces glutamine 851 with a stop codon.
Molecular consequence: nonsense.
Genome position (GRCh38, 1-based): chr19:13,299,082, G>A on the plus strand (C>T on the coding strand, the complement: CACNA1A is on the minus strand). VCF-style: chr19-13299082-G-A. GRCh37 (hg19) VCF-style: chr19-13409896-G-A.
Other names: c.2563C>T, p.Gln855Ter (NM_000068.4, NM_023035.3); c.2554C>T, p.Gln852Ter (NM_001127221.2, NM_001174080.2); short protein forms Q851*, Q852*, Q855*.
Identifiers: ClinVar variation 808476 (VCV000808476.50), dbSNP rs1600273534, ClinGen allele CA404343205.
Genomic context (GRCh38, chr19:13,299,082, plus strand): 5'-GGTCCCGGGCCCGATCGTGGTAGCGGGCCTGTTTCCTGAGGAAGTCCTCGGCGCGCTGCT[G>A]GCCGAGGCGCTGGTCCACGGTGGGCTCGGCCGCCCGGCTCTTGTTGGTGTTGTTGTTGCG-3'

ClinVar aggregate classification (germline): Pathogenic/Likely pathogenic. Review status: criteria provided, multiple submitters, no conflicts (2 of 4 stars). 3 submissions from 3 submitters: Pathogenic (1); Likely pathogenic (2). Last evaluated 2024-10-22.

Conditions:
CACNA1A-related disorder. Also called: CACNA1A-related condition.
Episodic ataxia type 2 (EA2). Also called: ATAXIA, EPISODIC, WITH NYSTAGMUS; ATAXIA, FAMILIAL PAROXYSMAL; CEREBELLAR ATAXIA, PAROXYSMAL, ACETAZOLAMIDE-RESPONSIVE; CEREBELLOPATHY, HEREDITARY PAROXYSMAL; EPISODIC ATAXIA, NYSTAGMUS-ASSOCIATED; ACETAZOLAMIDE-RESPONSIVE HEREDITARY PAROXYSMAL CEREBELLAR ATAXIA. Identifiers: Orphanet 97, MedGen C1720416, MONDO:0007163, OMIM 108500.
Developmental and epileptic encephalopathy, 42 (DEE42A). Also called: Epileptic encephalopathy, early infantile, 42; DEVELOPMENTAL AND EPILEPTIC ENCEPHALOPATHY 42A; EPILEPTIC ENCEPHALOPATHY, EARLY INFANTILE, 42A. Identifiers: MedGen C4310716, MONDO:0014917, OMIM 617106.

Submissions (3):

Labcorp Genetics (formerly Invitae), Labcorp
Classification: Pathogenic for Developmental and epileptic encephalopathy, 42; Episodic ataxia type 2. Last evaluated: 2024-10-22. Review status: criteria provided, single submitter. Criteria: Invitae Variant Classification Sherloc (09022015). Collection method: clinical testing. Allele origin: germline.
Comment: This sequence change creates a premature translational stop signal (p.Gln852*) in the CACNA1A gene. It is expected to result in an absent or disrupted protein product. Loss-of-function variants in CACNA1A are known to be pathogenic (PMID: 10371528, 19486177, 25735478, 27250579). This variant is not present in population databases (gnomAD no frequency). This variant has not been reported in the literature in individuals affected with CACNA1A-related conditions. ClinVar contains an entry for this variant (Variation ID: 808476). For these reasons, this variant has been classified as Pathogenic.

Blueprint Genetics
Classification: Likely pathogenic for CACNA1A-related disorders. Last evaluated: 2023-02-20. Review status: criteria provided, single submitter. Criteria: ACMG Guidelines, 2015. Collection method: clinical testing. Allele origin: germline. Affected: yes. Observed: 2 variant alleles.

CeGaT Center for Human Genetics Tuebingen
Classification: Likely pathogenic. Last evaluated: 2017-11-01. Review status: criteria provided, single submitter. Criteria: CeGaT Center For Human Genetics Tuebingen Variant Classification Criteria Version 2. Collection method: clinical testing. Allele origin: germline. Affected: yes. Observed: 1 variant allele.

Literature cited by the submitters: PubMed 10371528 (cited by Labcorp Genetics (formerly Invitae), Labcorp); PubMed 19486177 (cited by Labcorp Genetics (formerly Invitae), Labcorp); PubMed 25735478 (cited by Labcorp Genetics (formerly Invitae), Labcorp); PubMed 27250579 (cited by Labcorp Genetics (formerly Invitae), Labcorp).